The following is an entry in ClinVar:

ClinVar aggregate classification (germline): Pathogenic (1 of 4 stars; one submission).

Conditions:
Gorlin syndrome. Also called: Basal cell nevus syndrome; Nevoid Basal Cell Carcinoma Syndrome. Identifiers: Orphanet 377, MedGen C0004779, MONDO:0007187.

Submission:

Labcorp Genetics (formerly Invitae), Labcorp
Classification: Pathogenic for Gorlin syndrome. Last evaluated: 2018-11-10. Review status: criteria provided, single submitter. Criteria: Invitae Variant Classification Sherloc (09022015). Collection method: clinical testing. Allele origin: germline.
Comment: This variant has not been reported in the literature in individuals with PTCH1-related disease. This variant is not present in population databases (ExAC no frequency). This sequence change creates a premature translational stop signal (p.Gln84Leufs*3) in the PTCH1 gene. It is expected to result in an absent or disrupted protein product. For these reasons, this variant has been classified as Pathogenic. Loss-of-function variants in PTCH1 are known to be pathogenic (PMID: 16301862, 16419085).

Literature cited by the submitters: PubMed 16301862; PubMed 16419085.

NM_000264.5(PTCH1):c.251_258del (p.Gln84fs)

Gene: PTCH1 (patched 1; minus strand). Cytogenetic location: 9q22.32.
Variant type: Deletion.
Coding change: c.251_258del on transcript NM_000264.5 (MANE Select); coding-DNA positions 251 to 258, 8 bases deleted (AGAGACTC; older notation c.251_258delAGAGACTC).
Protein change: p.Gln84fs; shifts the reading frame from glutamine 84.
Molecular consequence: frameshift variant. On other transcripts: 5 prime UTR variant (4), non-coding transcript variant (1).
Genome position (GRCh38, 1-based): chr9:95,506,543-95,506,550, GAGTCTCT deleted on the plus strand (AGAGACTC on the coding strand, the reverse complement: PTCH1 is on the minus strand); deleting any 8 consecutive bases within chr9:95,506,543-95,506,552 gives the same sequence; the c. name uses the placement nearest the transcript's 3' end. VCF-style (leftmost placement, unchanged base first): chr9-95506542-AGAGTCTCT-A. GRCh37 (hg19) VCF-style: chr9-98268824-AGAGTCTCT-A.
Other names: c.53_60del, p.Gln18fs (NM_001083602.3, NM_001354919.2); c.248_255del, p.Gln83fs (NM_001083603.3); c.-203_-196del (NM_001083604.3, NM_001083605.3, NM_001083606.3 and 1 more transcripts); c.251_258del, p.Gln84fs (NM_001354918.2); short protein forms Q84fs, Q18fs, Q83fs.
Identifiers: ClinVar variation 651867 (VCV000651867.7), dbSNP rs1587693623, ClinGen allele CA915947103.